The following is an entry in ClinVar:

NM_004813.4(PEX16):c.995_997del (p.Phe332del)

Gene: PEX16 (peroxisomal biogenesis factor 16; minus strand). Cytogenetic location: 11p11.2.
Variant type: Deletion.
Coding change: c.995_997del on transcript NM_004813.4 (MANE Select); coding-DNA positions 995 to 997, 3 bases deleted (TCT; older notation c.995_997delTCT).
Protein change: p.Phe332del; deletes phenylalanine 332.
Molecular consequence: inframe deletion. On other transcripts: intron variant (1).
Genome position (GRCh38, 1-based): chr11:45,910,268-45,910,270, AGA deleted on the plus strand (TCT on the coding strand, the reverse complement: PEX16 is on the minus strand); deleting any 3 consecutive bases within chr11:45,910,268-45,910,272 gives the same sequence; the c. name uses the placement nearest the transcript's 3' end. VCF-style (leftmost placement, unchanged base first): chr11-45910267-TAGA-T. GRCh37 (hg19) VCF-style: chr11-45931818-TAGA-T.
Other names: c.953-93_953-91del (NM_057174.3); short protein forms F332del.
Identifiers: ClinVar variation 209181 (VCV000209181.2), dbSNP rs797045062, ClinGen allele CA250385.

ClinVar aggregate classification (germline): Likely pathogenic (1 of 4 stars; one submission).

Conditions:
Peroxisome biogenesis disorder 8B (PBD8B). Identifiers: Orphanet 44, MedGen C3553960, MONDO:0013943, OMIM 614877.

Submission:

Baylor Genetics
Classification: Likely pathogenic for Peroxisome biogenesis disorder 8B. Last evaluated: 2012-10-19. Review status: criteria provided, single submitter. Criteria: Yang et al. 2013. Collection method: clinical testing. Allele origin: germline. Inheritance: Autosomal recessive inheritance. Affected: yes. Observed: 1 variant allele, 1 homozygote. Study: Adult_WES.

Literature cited by the submitters: PubMed 26633545.